The following is an entry in ClinVar:

NM_000521.4(HEXB):c.986C>T (p.Thr329Ile)

Gene: HEXB (hexosaminidase subunit beta; plus strand). Cytogenetic location: 5q13.3.
Variant type: single nucleotide variant.
Coding change: c.986C>T on transcript NM_000521.4 (MANE Select); coding-DNA position 986, C replaced by T.
Protein change: p.Thr329Ile; replaces threonine 329 with isoleucine.
Molecular consequence: missense variant.
Genome position (GRCh38, 1-based): chr5:74,715,594, C>T. VCF-style: chr5-74715594-C-T. GRCh37 (hg19) VCF-style: chr5-74011419-C-T.
Other names: c.311C>T, p.Thr104Ile (NM_001292004.2); short protein forms T329I, T104I.
Identifiers: ClinVar variation 568467 (VCV000568467.4), dbSNP rs1561226697, ClinGen allele CA360068524.

ClinVar aggregate classification (germline): Uncertain significance. Review status: criteria provided, single submitter (1 of 4 stars). 2 submissions from 2 submitters: Uncertain significance (1). 1 of the submissions does not count toward it. Last evaluated 2021-09-02.

Conditions:
Sandhoff disease. Also called: Beta-hexosaminidase-beta-subunit deficiency; GM2 gangliosidosis, type 2; Total hexosaminidase deficiency; Sandhoff-Jatzkewitz-Pilz disease; GM2-GANGLIOSIDOSIS, TYPE II; HEXOSAMINIDASES A AND B DEFICIENCY. Identifiers: Orphanet 796, MedGen C0036161, MONDO:0010006, OMIM 268800.

Allele frequency attached by ClinVar (database versions not stated): gnomAD exomes below 0.00001; TOPMed 0.00001.
gnomAD v4.1: 1 of 1,608,208 alleles (0.000062%); highest among the groups gnomAD compares: Non-Finnish European, 0.000085%; no homozygotes.

Submissions (2):

Labcorp Genetics (formerly Invitae), Labcorp
Classification: Uncertain significance for Sandhoff disease. Last evaluated: 2021-09-02. Review status: criteria provided, single submitter. Criteria: Invitae Variant Classification Sherloc (09022015). Collection method: clinical testing. Allele origin: germline.
Comment: This sequence change replaces threonine with isoleucine at codon 329 of the HEXB protein (p.Thr329Ile). The threonine residue is moderately conserved and there is a moderate physicochemical difference between threonine and isoleucine. This variant is not present in population databases (ExAC no frequency). This variant has not been reported in the literature in individuals affected with HEXB-related conditions. Algorithms developed to predict the effect of missense changes on protein structure and function are either unavailable or do not agree on the potential impact of this missense change (SIFT: "Deleterious"; PolyPhen-2: "Probably Damaging"; Align-GVGD: "Class C15"). In summary, the available evidence is currently insufficient to determine the role of this variant in disease. Therefore, it has been classified as a Variant of Uncertain Significance.

Natera, Inc.
Classification: Uncertain significance for Sandhoff disease. Last evaluated: 2020-01-10. Review status: no assertion criteria provided. Collection method: clinical testing. Allele origin: germline. Not counted in ClinVar's aggregate classification.